The following is an entry in ClinVar:

ClinVar aggregate classification (germline): Likely benign. Review status: criteria provided, multiple submitters, no conflicts (2 of 4 stars). 4 submissions from 4 submitters: Likely benign (3). 1 of the submissions does not count toward it. Last evaluated 2025-11-17.

Conditions:
PKD1-related disorder. Also called: PKD1-related condition.
Polycystic kidney disease, adult type (PKD1). Also called: POLYCYSTIC KIDNEY DISEASE, ADULT, TYPE I; Polycystic Kidney Disease 1, Autosomal Dominant; Polycystic kidney disease 1; Polycystic kidney disease 1, severe; Polycystic Kidney, Autosomal Dominant; POLYCYSTIC KIDNEY DISEASE 1 WITH OR WITHOUT POLYCYSTIC LIVER DISEASE. Identifiers: MedGen C3149841, MONDO:0008263, OMIM 173900.

Allele frequency attached by ClinVar (database versions not stated): TOPMed 0.00022; ExAC 0.00024; gnomAD exomes 0.00024; gnomAD 0.00026.
gnomAD v4.1: 384 of 1,588,772 alleles (0.024%); highest among the groups gnomAD compares: Middle Eastern, 0.068%; no homozygotes.

Submissions (4):

Women's Health and Genetics/Laboratory Corporation of America, LabCorp
Classification: Likely benign. Last evaluated: 2025-11-17. Review status: criteria provided, single submitter. Criteria: LabCorp Variant Classification Summary - May 2015. Collection method: clinical testing. Allele origin: germline.

Blueprint Genetics
Classification: Likely benign. Last evaluated: 2024-09-02. Review status: criteria provided, single submitter. Criteria: ACMG Guidelines, 2015. Collection method: clinical testing. Allele origin: germline.

Department of Pathology and Laboratory Medicine, Sinai Health System
Classification: Likely benign for Polycystic kidney disease, adult type. Last evaluated: 2023-04-18. Review status: criteria provided, single submitter. Criteria: ACMG Guidelines, 2015. Collection method: clinical testing. Allele origin: germline. Affected: yes.

PreventionGenetics, part of Exact Sciences
Classification: Likely benign for PKD1-related condition. Last evaluated: 2022-04-12. Review status: no assertion criteria provided. Collection method: clinical testing. Allele origin: germline. Not counted in ClinVar's aggregate classification.
Comment: This variant is classified as likely benign based on ACMG/AMP sequence variant interpretation guidelines (Richards et al. 2015 PMID: 25741868, with internal and published modifications).

NM_001009944.3(PKD1):c.7476C>T (p.His2492=)

Gene: PKD1 (polycystin 1, transient receptor potential channel interacting; minus strand). Cytogenetic location: 16p13.3.
Variant type: single nucleotide variant.
Coding change: c.7476C>T on transcript NM_001009944.3 (MANE Select); coding-DNA position 7476, C replaced by T.
Protein change: p.His2492=; no amino-acid change (histidine 2492 retained).
Molecular consequence: synonymous variant.
Genome position (GRCh38, 1-based): chr16:2,106,411, G>A on the plus strand (C>T on the coding strand, the complement: PKD1 is on the minus strand). VCF-style: chr16-2106411-G-A. GRCh37 (hg19) VCF-style: chr16-2156412-G-A.
Other names: c.7476C>T, p.His2492= (NM_000296.4).
Identifiers: ClinVar variation 3054325 (VCV003054325.5), dbSNP rs763615650, ClinGen allele CA7831118.